The following is an entry in ClinVar:

ClinVar aggregate classification (germline): Uncertain significance (1 of 4 stars; one submission).

Allele frequency attached by ClinVar (database versions not stated): gnomAD exomes below 0.00001.

Submission:

Labcorp Genetics (formerly Invitae), Labcorp
Classification: Uncertain significance. Last evaluated: 2023-10-18. Review status: criteria provided, single submitter. Criteria: Invitae Variant Classification Sherloc (09022015). Collection method: clinical testing. Allele origin: germline.
Comment: This sequence change replaces valine, which is neutral and non-polar, with isoleucine, which is neutral and non-polar, at codon 580 of the STAG2 protein (p.Val580Ile). This variant is not present in population databases (gnomAD no frequency). This variant has not been reported in the literature in individuals affected with STAG2-related conditions. Advanced modeling of protein sequence and biophysical properties (such as structural, functional, and spatial information, amino acid conservation, physicochemical variation, residue mobility, and thermodynamic stability) performed at Invitae indicates that this missense variant is not expected to disrupt STAG2 protein function. In summary, the available evidence is currently insufficient to determine the role of this variant in disease. Therefore, it has been classified as a Variant of Uncertain Significance.

NM_001042750.2(STAG2):c.1738G>A (p.Val580Ile)

Gene: STAG2 (STAG2 cohesin complex component; plus strand). Cytogenetic location: Xq25.
Variant type: single nucleotide variant.
Coding change: c.1738G>A on transcript NM_001042750.2 (MANE Select); coding-DNA position 1738, G replaced by A.
Protein change: p.Val580Ile; replaces valine 580 with isoleucine.
Molecular consequence: missense variant.
Genome position (GRCh38, 1-based): chrX:124,063,122, G>A. VCF-style: chrX-124063122-G-A. GRCh37 (hg19) VCF-style: chrX-123196972-G-A.
Other names: c.1738G>A, p.Val580Ile (NM_001375369.1, NM_001375370.1, NM_001375371.1 and 13 more transcripts); short protein forms V580I.
Identifiers: ClinVar variation 2745687 (VCV002745687.3), dbSNP rs2521804059, ClinGen allele CA414271996.